The following is an entry in ClinVar:

ClinVar aggregate classification (germline): Pathogenic. Review status: no assertion criteria provided (0 of 4 stars). 3 submissions from 3 submitters: Pathogenic (3). Last evaluated 2026-02-04.

Conditions:
Autosomal recessive nonsyndromic hearing loss 9. Also called: Deafness, autosomal recessive 9; NEUROSENSORY NONSYNDROMIC RECESSIVE DEAFNESS 9; OTOF-Related Hearing Loss; AUDITORY NEUROPATHY, AUTOSOMAL RECESSIVE, 1, TEMPERATURE-SENSITIVE. Identifiers: Orphanet 90636, MedGen C1832828, MONDO:0010986, OMIM 601071.

Submissions (3):

Diagnosis and Treatment Center of Genetic Hearing Loss, Eye & ENT Hospital of Fudan University
Classification: Pathogenic for Autosomal recessive nonsyndromic hearing loss 9. Last evaluated: 2026-02-04. Review status: no assertion criteria provided. Collection method: clinical testing. Allele origin: germline. Inheritance: Autosomal recessive inheritance. Affected: yes.
Comment: The c.2985C>A nonsense variant in OTOF creates a premature stop codon at amino acid 48 and is predicted to cause NMD (PVS1). It is absent from population databases (PM2_Supporting). The phenotype is consistent with auditory neuropathy (PP4).

WangQJ Lab, Chinese People's Liberation Army General Hospital
Classification: Pathogenic for Autosomal recessive nonsyndromic hearing loss 9. Last evaluated: 2021-07-01. Review status: no assertion criteria provided. Collection method: clinical testing. Allele origin: maternal. Affected: yes.

Deafness Molecular Diagnostic Center, Chinese PLA General Hospital
Classification: Pathogenic for Autosomal recessive nonsyndromic hearing loss 9. Review status: no assertion criteria provided. Collection method: clinical testing. Allele origin: inherited. Affected: yes.

NM_194248.3(OTOF):c.2985C>A (p.Cys995Ter)

Gene: OTOF (otoferlin; minus strand). Cytogenetic location: 2p23.3.
Variant type: single nucleotide variant.
Coding change: c.2985C>A on transcript NM_194248.3 (MANE Select); coding-DNA position 2985, C replaced by A.
Protein change: p.Cys995Ter; replaces cysteine 995 with a stop codon.
Molecular consequence: nonsense.
Genome position (GRCh38, 1-based): chr2:26,475,920, G>T on the plus strand (C>A on the coding strand, the complement: OTOF is on the minus strand). VCF-style: chr2-26475920-G-T. GRCh37 (hg19) VCF-style: chr2-26698788-G-T.
Other names: c.2985C>A, p.Cys995Ter (NM_001287489.2); c.744C>A, p.Cys248Ter (NM_004802.4, NM_194323.3); c.915C>A, p.Cys305Ter (NM_194322.3); short protein forms C248*, C305*, C995*.
Identifiers: ClinVar variation 1185082 (VCV001185082.28), dbSNP rs2148047301, ClinGen allele CA346112401.